The following is an entry in ClinVar:

ClinVar aggregate classification (germline): Uncertain significance (1 of 4 stars; one submission).

Submission:

Labcorp Genetics (formerly Invitae), Labcorp
Classification: Uncertain significance. Last evaluated: 2025-06-29. Review status: criteria provided, single submitter. Criteria: Invitae Variant Classification Sherloc (09022015). Collection method: clinical testing. Allele origin: germline.
Comment: This sequence change replaces serine, which is neutral and polar, with asparagine, which is neutral and polar, at codon 3598 of the KMT2A protein (p.Ser3598Asn). This variant is not present in population databases (gnomAD no frequency). This variant has not been reported in the literature in individuals affected with KMT2A-related conditions. Invitae Evidence Modeling of protein sequence and biophysical properties (such as structural, functional, and spatial information, amino acid conservation, physicochemical variation, residue mobility, and thermodynamic stability) indicates that this missense variant is not expected to disrupt KMT2A protein function with a negative predictive value of 95%. In summary, the available evidence is currently insufficient to determine the role of this variant in disease. Therefore, it has been classified as a Variant of Uncertain Significance.

NM_001197104.2(KMT2A):c.10793G>A (p.Ser3598Asn)

Gene: KMT2A (lysine methyltransferase 2A; plus strand). Cytogenetic location: 11q23.3.
Variant type: single nucleotide variant.
Coding change: c.10793G>A on transcript NM_001197104.2 (MANE Select); coding-DNA position 10793, G replaced by A.
Protein change: p.Ser3598Asn; replaces serine 3598 with asparagine.
Molecular consequence: missense variant.
Genome position (GRCh38, 1-based): chr11:118,507,567, G>A. VCF-style: chr11-118507567-G-A. GRCh37 (hg19) VCF-style: chr11-118378282-G-A.
Other names: c.10883G>A, p.Ser3628Asn (NM_001412597.1); c.10784G>A, p.Ser3595Asn (NM_005933.4); short protein forms S3595N, S3598N, S3628N.
Identifiers: ClinVar variation 4800589 (VCV004800589.1).